The following is an entry in ClinVar:

NM_001930.4(DHPS):c.1A>G (p.Met1Val)

Genes: DHPS (deoxyhypusine synthase; minus strand), LOC112543448 (CRISPRi-FlowFISH-validated WDR83OS regulatory elements; plus strand). Cytogenetic location: 19p13.13.
Variant type: single nucleotide variant.
Coding change: c.1A>G on transcript NM_001930.4 (MANE Select); coding-DNA position 1, A replaced by G.
Protein change: p.Met1Val; changes the start codon (methionine 1).
Molecular consequence: missense variant, initiator codon variant. On other transcripts: 5 prime UTR variant (1), non-coding transcript variant (3).
Genome position (GRCh38, 1-based): chr19:12,681,766, T>C on the plus strand (A>G on the coding strand, the complement: DHPS is on the minus strand). VCF-style: chr19-12681766-T-C. GRCh37 (hg19) VCF-style: chr19-12792580-T-C.
Other names: c.1A>G, p.Met1Val (NM_001369691.1, NM_001369692.1, NM_013406.3); c.-514A>G (NM_001369693.1); short protein forms M1V.
Identifiers: ClinVar variation 560197 (VCV000560197.3), dbSNP rs1306390986, ClinGen allele CA404283422.

ClinVar aggregate classification (germline): Uncertain significance. Review status: criteria provided, single submitter (1 of 4 stars). 2 submissions from 2 submitters: Uncertain significance (1). 1 of the submissions does not count toward it. Last evaluated 2018-07-11.

Conditions:
Neurodevelopmental disorder with seizures and speech and walking impairment. Identifiers: MedGen C5193119, MONDO:0032775, OMIM 618480.

Allele frequency attached by ClinVar (database versions not stated): gnomAD exomes below 0.00001; TOPMed 0.00001; gnomAD 0.00002.

Submissions (2):

GeneDx
Classification: Uncertain significance. Last evaluated: 2018-07-11. Review status: criteria provided, single submitter. Criteria: GeneDx Variant Classification (06012015). Collection method: clinical testing. Allele origin: germline. Affected: yes.
Comment: The c.1 A>G variant in the DHPS gene has not been reported previously as a pathogenic variant nor as a benign variant, to our knowledge. As this variant changes the translation initiator Methionine codon, the resultant protein is described as p.Met1?, using a question mark to signify that it is not known if the loss of Met1 means that all protein translation is completely prevented or if an abnormal protein is produced using an alternate Methionine. The c.1 A>G variant is observed in 1/14,988 alleles from individuals of non-Finnish European background in large population cohorts (Lek et al., 2016). We interpret c.1 A>G as a variant of uncertain significance.

OMIM
Classification: Pathogenic for NEURODEVELOPMENTAL DISORDER WITH SEIZURES AND SPEECH AND WALKING IMPAIRMENT. Last evaluated: 2019-06-24. Review status: no assertion criteria provided. Collection method: literature only. Allele origin: germline. Not counted in ClinVar's aggregate classification.

Literature cited by the submitters: PubMed 30661771 (cited by GeneDx and OMIM).